The following is an entry in ClinVar:

NM_014727.3(KMT2B):c.2542dup (p.Ser848fs)

Gene: KMT2B (lysine methyltransferase 2B; plus strand). Cytogenetic location: 19q13.12.
Variant type: Duplication.
Coding change: c.2542dup on transcript NM_014727.3 (MANE Select); coding-DNA position 2542, one base duplicated (T; older notation c.2542dupT).
Protein change: p.Ser848fs; shifts the reading frame from serine 848.
Molecular consequence: frameshift variant.
Genome position (GRCh38, 1-based): chr19:35,722,443, T duplicated. VCF-style (leftmost placement, unchanged base first): chr19-35722442-G-GT. GRCh37 (hg19) VCF-style: chr19-36213344-G-GT.
Other names: short protein forms S848fs.
Identifiers: ClinVar variation 4854364 (VCV004854364.1).

ClinVar aggregate classification (germline): Likely pathogenic (1 of 4 stars; one submission).

Conditions:
KMT2B-related disorder. Also called: KMT2B-related disorders; KMT2B-related condition. Identifiers: MedGen CN381338.

Submission:

3billion
Classification: Likely pathogenic for KMT2B-related disorder. Last evaluated: 2025-05-29. Review status: criteria provided, single submitter. Criteria: ACMG Guidelines, 2015. Collection method: clinical testing. Allele origin: germline. Affected: yes.
Comment: The variant is not observed in the gnomAD v4.1.0 dataset. Predicted Consequence/Location: Frameshift: predicted to result in a loss or disruption of normal protein function through nonsense-mediated decay (NMD) or protein truncation. Multiple pathogenic variants are reported downstream of the variant. Therefore, this variant is classified as Likely pathogenic according to the recommendation of ACMG/AMP guideline.